The following is an entry in ClinVar:

NM_001394062.1(MACF1):c.17191C>T (p.Arg5731Cys)

Gene: MACF1 (microtubule actin crosslinking factor 1; plus strand). Cytogenetic location: 1p34.3.
Variant type: single nucleotide variant.
Coding change: c.17191C>T on transcript NM_001394062.1 (MANE Select); coding-DNA position 17191, C replaced by T.
Protein change: p.Arg5731Cys; replaces arginine 5731 with cysteine.
Molecular consequence: missense variant.
Genome position (GRCh38, 1-based): chr1:39,430,762, C>T. VCF-style: chr1-39430762-C-T. GRCh37 (hg19) VCF-style: chr1-39896434-C-T.
Other names: c.5260C>T, p.Arg1754Cys (NM_001397473.1); c.11005C>T, p.Arg3669Cys (NM_012090.5); short protein forms R1754C, R3669C, R5731C.
Identifiers: ClinVar variation 4759719 (VCV004759719.3).

ClinVar aggregate classification (germline): Conflicting classifications of pathogenicity. Review status: criteria provided, conflicting classifications (1 of 4 stars). 3 submissions from 3 submitters: Uncertain significance (2); Likely benign (1). Last evaluated 2025-08-17.

Conditions:
MACF1-related disorder. Also called: MACF1-related condition.

gnomAD v4.1: 9 of 1,612,158 alleles (0.00056%); highest among the groups gnomAD compares: South Asian, 0.0022%; no homozygotes.

Submissions (3):

PreventionGenetics, part of Exact Sciences
Classification: Uncertain significance for MACF1-related condition. Last evaluated: 2025-08-17. Review status: criteria provided, single submitter. Criteria: ACMG Guidelines, 2015. Collection method: clinical testing. Allele origin: germline.
Comment: The MACF1 c.11005C>T variant is predicted to result in the amino acid substitution p.Arg3669Cys. To our knowledge, this variant has not been reported in the literature. This variant is reported in 0.0099% of alleles in individuals of Ashkenazi Jewish descent in gnomAD. At this time, the clinical significance of this variant is uncertain due to the absence of conclusive functional and genetic evidence.

Labcorp Genetics (formerly Invitae), Labcorp
Classification: Likely benign. Last evaluated: 2025-03-31. Review status: criteria provided, single submitter. Criteria: Invitae Variant Classification Sherloc (09022015). Collection method: clinical testing. Allele origin: germline.

Blueprint Genetics
Classification: Uncertain significance. Last evaluated: 2020-05-18. Review status: criteria provided, single submitter. Criteria: ACMG Guidelines, 2015. Collection method: clinical testing. Allele origin: germline.